The following is an entry in ClinVar:

NM_000458.4(HNF1B):c.18G>A (p.Thr6=)

Gene: HNF1B (HNF1 homeobox B; minus strand). Cytogenetic location: 17q12.
Variant type: single nucleotide variant.
Coding change: c.18G>A on transcript NM_000458.4 (MANE Select); coding-DNA position 18, G replaced by A.
Protein change: p.Thr6=; no amino-acid change (threonine 6 retained).
Molecular consequence: synonymous variant.
Genome position (GRCh38, 1-based): chr17:37,744,867, C>T on the plus strand (G>A on the coding strand, the complement: HNF1B is on the minus strand). VCF-style: chr17-37744867-C-T. GRCh37 (hg19) VCF-style: chr17-36104858-C-T.
Other names: c.18G>A, p.Thr6= (NM_001165923.4, NM_001304286.2, NM_001411100.1).
Identifiers: ClinVar variation 3905619 (VCV003905619.10).

ClinVar aggregate classification (germline): Likely benign (1 of 4 stars; one submission).

gnomAD v4.1: 1 of 1,340,466 alleles (0.000075%); highest among the groups gnomAD compares: Non-Finnish European, 0.000099%; no homozygotes.

Submission:

CeGaT Center for Human Genetics Tuebingen
Classification: Likely benign. Last evaluated: 2025-05-01. Review status: criteria provided, single submitter. Criteria: CeGaT Center For Human Genetics Tuebingen Variant Classification Criteria Version 2. Collection method: clinical testing. Allele origin: germline. Affected: yes. Observed: 1 variant allele.
Comment: HNF1B: BP4, BP7